The following is an entry in ClinVar:

ClinVar aggregate classification (germline): Uncertain significance. Review status: criteria provided, multiple submitters, no conflicts (2 of 4 stars). 2 submissions from 2 submitters: Uncertain significance (2). Last evaluated 2024-08-27.

Conditions:
Inborn genetic diseases. Identifiers: MedGen C0950123, MeSH D030342.

Allele frequency attached by ClinVar (database versions not stated): gnomAD exomes 0.00001.

Submissions (2):

Ambry Genetics
Classification: Uncertain significance for Inborn genetic diseases. Last evaluated: 2024-08-27. Review status: criteria provided, single submitter. Criteria: Ambry Variant Classification Scheme 2023. Collection method: clinical testing. Allele origin: germline.

Labcorp Genetics (formerly Invitae), Labcorp
Classification: Uncertain significance. Last evaluated: 2023-12-25. Review status: criteria provided, single submitter. Criteria: Invitae Variant Classification Sherloc (09022015). Collection method: clinical testing. Allele origin: germline.
Comment: This sequence change replaces arginine, which is basic and polar, with tryptophan, which is neutral and slightly polar, at codon 21 of the ENPP1 protein (p.Arg21Trp). This variant is present in population databases (no rsID available, gnomAD 0.007%). This variant has not been reported in the literature in individuals affected with ENPP1-related conditions. Algorithms developed to predict the effect of missense changes on protein structure and function output the following: SIFT: "Not Available"; PolyPhen-2: "Not Available"; Align-GVGD: "Not Available". The tryptophan amino acid residue is found in multiple mammalian species, which suggests that this missense change does not adversely affect protein function. In summary, the available evidence is currently insufficient to determine the role of this variant in disease. Therefore, it has been classified as a Variant of Uncertain Significance.

NM_006208.3(ENPP1):c.61C>T (p.Arg21Trp)

Gene: ENPP1 (ectonucleotide pyrophosphatase/phosphodiesterase 1; plus strand). Cytogenetic location: 6q23.2.
Variant type: single nucleotide variant.
Coding change: c.61C>T on transcript NM_006208.3 (MANE Select); coding-DNA position 61, C replaced by T.
Protein change: p.Arg21Trp; replaces arginine 21 with tryptophan.
Molecular consequence: missense variant.
Genome position (GRCh38, 1-based): chr6:131,808,096, C>T. VCF-style: chr6-131808096-C-T. GRCh37 (hg19) VCF-style: chr6-132129236-C-T.
Other names: c.61C>T (NM_006208.2); short protein forms R21W.
Identifiers: ClinVar variation 3015557 (VCV003015557.4), dbSNP rs28620420, ClinGen allele CA365661126.
Genomic context (GRCh38, chr6:131,808,096, plus strand): 5'-ATGGAGCGCGACGGCTGCGCGGGGGGCGGGAGCCGCGGCGGCGAGGGCGGGCGCGCTCCC[C>T]GGGAGGGCCCGGCGGGGAACGGCCGCGATCGGGGCCGCAGCCACGCTGCCGAGGCGCCCG-3'
Protein context (NP_006199.2, residues 11-31): SRGGEGGRAP[Arg21Trp]EGPAGNGRDR